The following is an entry in ClinVar:

NM_000278.5(PAX2):c.1035C>T (p.Ser345=)

Gene: PAX2 (paired box 2; plus strand). Cytogenetic location: 10q24.31.
Variant type: single nucleotide variant.
Coding change: c.1035C>T on transcript NM_000278.5 (MANE Select); coding-DNA position 1035, C replaced by T.
Protein change: p.Ser345=; no amino-acid change (serine 345 retained).
Molecular consequence: synonymous variant. On other transcripts: missense variant (1).
Genome position (GRCh38, 1-based): chr10:100,827,022, C>T. VCF-style: chr10-100827022-C-T. GRCh37 (hg19) VCF-style: chr10-102586779-C-T.
Other names: c.1128C>T, p.Ser376= (NM_001304569.2); c.1104C>T, p.Ser368= (NM_003987.5, NM_003990.5); c.1118C>T, p.Pro373Leu (NM_003988.5); c.1035C>T, p.Ser345= (NM_003989.5); short protein forms P373L.
Identifiers: ClinVar variation 3414498 (VCV003414498.3).

ClinVar aggregate classification (germline): Conflicting classifications of pathogenicity. Review status: criteria provided, conflicting classifications (1 of 4 stars). 2 submissions from 2 submitters: Uncertain significance (1); Likely benign (1). Last evaluated 2024-11-28.

Conditions:
Focal segmental glomerulosclerosis 7 (FSGS7). Identifiers: Orphanet 656, MedGen C4014925, MONDO:0014451, OMIM 616002.
Renal coloboma syndrome (PAPRS). Also called: PAPILLORENAL SYNDROME WITH MILD OCULAR ABNORMALITIES; CONGENITAL ANOMALIES OF THE KIDNEY AND URINARY TRACT WITH OR WITHOUT OCULAR ABNORMALITIES; CAKUT WITH OR WITHOUT OCULAR ABNORMALITIES; PAPILLORENAL SYNDROME; COLOBOMA OF OPTIC NERVE WITH RENAL DISEASE; OPTIC COLOBOMA, VESICOURETERAL REFLUX, AND RENAL ANOMALIES. Identifiers: Orphanet 1475, MedGen C1852759, MONDO:0007352, OMIM 120330.
Inborn genetic diseases. Identifiers: MedGen C0950123, MeSH D030342.

Submissions (2):

Labcorp Genetics (formerly Invitae), Labcorp
Classification: Uncertain significance for Renal coloboma syndrome; Focal segmental glomerulosclerosis 7. Last evaluated: 2024-11-28. Review status: criteria provided, single submitter. Criteria: Invitae Variant Classification Sherloc (09022015). Collection method: clinical testing. Allele origin: germline.
Comment: This sequence change replaces proline, which is neutral and non-polar, with leucine, which is neutral and non-polar, at codon 373 of the PAX2 protein (p.Pro373Leu). This variant is not present in population databases (gnomAD no frequency). This variant has not been reported in the literature in individuals affected with PAX2-related conditions. Experimental studies and prediction algorithms are not available or were not evaluated, and the functional significance of this variant is currently unknown. In summary, the available evidence is currently insufficient to determine the role of this variant in disease. Therefore, it has been classified as a Variant of Uncertain Significance.

Ambry Genetics
Classification: Likely benign for Inborn genetic diseases. Last evaluated: 2024-08-01. Review status: criteria provided, single submitter. Criteria: Ambry Variant Classification Scheme 2023. Collection method: clinical testing. Allele origin: germline.